The following is an entry in ClinVar:

NM_172351.3(CD46):c.268T>G (p.Ser90Ala)

Gene: CD46 (CD46 molecule; plus strand). Cytogenetic location: 1q32.2.
Variant type: single nucleotide variant.
Coding change: c.268T>G on transcript NM_172351.3 (MANE Select); coding-DNA position 268, T replaced by G.
Protein change: p.Ser90Ala; replaces serine 90 with alanine.
Molecular consequence: missense variant.
Genome position (GRCh38, 1-based): chr1:207,757,184, T>G. VCF-style: chr1-207757184-T-G. GRCh37 (hg19) VCF-style: chr1-207930529-T-G.
Other names: c.268T>G, p.Ser90Ala (NM_172357.3, NM_172358.3, NM_172359.3 and 8 more transcripts); short protein forms S90A.
Identifiers: ClinVar variation 1722168 (VCV001722168.5), dbSNP rs2526402960, ClinGen allele CA344548273.
Genomic context (GRCh38, chr1:207,757,184, plus strand): 5'-TATATACCTCCTCTTGCCACCCATACTATTTGTGATCGGAATCATACATGGCTACCTGTC[T>G]CAGATGACGCCTGTTATAGTAAGTAAACAAACCTCTTTTTTTTTTCTGCTTGCTCTAGAG-3'
Protein context (NP_758861.1, residues 80-100): CDRNHTWLPV[Ser90Ala]DDACYRETCP

ClinVar aggregate classification (germline): Uncertain significance (1 of 4 stars; one submission).

Submission:

Labcorp Genetics (formerly Invitae), Labcorp
Classification: Uncertain significance. Last evaluated: 2022-10-25. Review status: criteria provided, single submitter. Criteria: Invitae Variant Classification Sherloc (09022015). Collection method: clinical testing. Allele origin: germline.
Comment: This sequence change replaces serine, which is neutral and polar, with alanine, which is neutral and non-polar, at codon 90 of the CD46 protein (p.Ser90Ala). This variant is not present in population databases (gnomAD no frequency). This variant has not been reported in the literature in individuals affected with CD46-related conditions. Advanced modeling of protein sequence and biophysical properties (such as structural, functional, and spatial information, amino acid conservation, physicochemical variation, residue mobility, and thermodynamic stability) performed at Invitae indicates that this missense variant is not expected to disrupt CD46 protein function. In summary, the available evidence is currently insufficient to determine the role of this variant in disease. Therefore, it has been classified as a Variant of Uncertain Significance.